The following is an entry in ClinVar:

NM_001205293.3(CACNA1E):c.5030G>C (p.Gly1677Ala)

Gene: CACNA1E (calcium voltage-gated channel subunit alpha1 E; plus strand). Cytogenetic location: 1q25.3.
Variant type: single nucleotide variant.
Coding change: c.5030G>C on transcript NM_001205293.3 (MANE Select); coding-DNA position 5030, G replaced by C.
Protein change: p.Gly1677Ala; replaces glycine 1677 with alanine.
Molecular consequence: missense variant.
Genome position (GRCh38, 1-based): chr1:181,772,122, G>C. VCF-style: chr1-181772122-G-C. GRCh37 (hg19) VCF-style: chr1-181741258-G-C.
Other names: c.5030G>C, p.Gly1677Ala (NM_000721.4); c.4973G>C, p.Gly1658Ala (NM_001205294.2); short protein forms G1677A, G1658A.
Identifiers: ClinVar variation 2130350 (VCV002130350.4), dbSNP rs1659570667, ClinGen allele CA343628090.

ClinVar aggregate classification (germline): Uncertain significance (1 of 4 stars; one submission).

Submission:

Labcorp Genetics (formerly Invitae), Labcorp
Classification: Uncertain significance. Last evaluated: 2024-01-22. Review status: criteria provided, single submitter. Criteria: Invitae Variant Classification Sherloc (09022015). Collection method: clinical testing. Allele origin: germline.
Comment: This sequence change replaces glycine, which is neutral and non-polar, with alanine, which is neutral and non-polar, at codon 1677 of the CACNA1E protein (p.Gly1677Ala). This variant is not present in population databases (gnomAD no frequency). This variant has not been reported in the literature in individuals affected with CACNA1E-related conditions. ClinVar contains an entry for this variant (Variation ID: 2130350). Advanced modeling of protein sequence and biophysical properties (such as structural, functional, and spatial information, amino acid conservation, physicochemical variation, residue mobility, and thermodynamic stability) performed at Invitae indicates that this missense variant is not expected to disrupt CACNA1E protein function with a negative predictive value of 95%. In summary, the available evidence is currently insufficient to determine the role of this variant in disease. Therefore, it has been classified as a Variant of Uncertain Significance.